The following is an entry in ClinVar:

ClinVar aggregate classification (germline): Uncertain significance (1 of 4 stars; one submission).

Conditions:
DICER1-related tumor predisposition. Also called: DICER1-related pleuropulmonary blastoma cancer predisposition syndrome; DICER1 syndrome. Identifiers: Orphanet 284343, MedGen C3839822, MONDO:0100216.

Submission:

Labcorp Genetics (formerly Invitae), Labcorp
Classification: Uncertain significance for DICER1-related tumor predisposition. Last evaluated: 2021-05-04. Review status: criteria provided, single submitter. Criteria: Invitae Variant Classification Sherloc (09022015). Collection method: clinical testing. Allele origin: germline.
Comment: This variant has not been reported in the literature in individuals with DICER1-related conditions. In summary, the available evidence is currently insufficient to determine the role of this variant in disease. Therefore, it has been classified as a Variant of Uncertain Significance. Algorithms developed to predict the effect of missense changes on protein structure and function are either unavailable or do not agree on the potential impact of this missense change (SIFT: "Tolerated"; PolyPhen-2: "Probably Damaging"; Align-GVGD: "Class C0"). This variant is not present in population databases (ExAC no frequency). This sequence change replaces arginine with threonine at codon 1907 of the DICER1 protein (p.Arg1907Thr). The arginine residue is highly conserved and there is a moderate physicochemical difference between arginine and threonine.

NM_177438.3(DICER1):c.5720G>C (p.Arg1907Thr)

Gene: DICER1 (dicer 1, ribonuclease III; minus strand). Cytogenetic location: 14q32.13.
Variant type: single nucleotide variant.
Coding change: c.5720G>C on transcript NM_177438.3 (MANE Select); coding-DNA position 5720, G replaced by C.
Protein change: p.Arg1907Thr; replaces arginine 1907 with threonine.
Molecular consequence: missense variant. On other transcripts: 3 prime UTR variant (1).
Genome position (GRCh38, 1-based): chr14:95,090,547, C>G on the plus strand (G>C on the coding strand, the complement: DICER1 is on the minus strand). VCF-style: chr14-95090547-C-G. GRCh37 (hg19) VCF-style: chr14-95556884-C-G.
Other names: c.*67G>C (NM_001195573.1); c.5720G>C, p.Arg1907Thr (NM_001271282.3, NM_001291628.2, NM_030621.4); short protein forms R1907T.
Identifiers: ClinVar variation 1414922 (VCV001414922.9), dbSNP rs2139765884, ClinGen allele CA390863069.
Genomic context (GRCh38, chr14:95,090,547, plus strand): 5'-AAAAAGCGGTTTCAGCTATTGGGAACCTGAGGTTGATTAGCTTTGAGGCTTCGGAGGGCT[C>G]TTCTTGCTGCTGCAGATTTGGCAATCCTGTAACTTCGACCAACACCTTTAAATTTCCCCT-3'
Protein context (NP_803187.1, residues 1897-1917): YRIAKSAAAR[Arg1907Thr]ALRSLKANQP